The following is an entry in ClinVar:

ClinVar aggregate classification (germline): Uncertain significance (1 of 4 stars; one submission).

gnomAD v4.1: 3 of 1,573,130 alleles (0.00019%); highest among the groups gnomAD compares: African/African-American, 0.0027%; no homozygotes.

Submission:

GeneDx
Classification: Uncertain significance. Last evaluated: 2025-07-12. Review status: criteria provided, single submitter. Criteria: GeneDx Variant Classification Process June 2021. Collection method: clinical testing. Allele origin: germline. Affected: yes.
Comment: Not observed at significant frequency in large population cohorts (gnomAD); Canonical splice site variant in a gene or region of a gene for which loss of function is not a well-established mechanism of disease; Has not been previously published as pathogenic or benign to our knowledge

NM_001080421.3(UNC13A):c.1284-2A>C

Gene: UNC13A (unc-13 homolog A; minus strand). Cytogenetic location: 19p13.11.
Variant type: single nucleotide variant.
Coding change: c.1284-2A>C on transcript NM_001080421.3 (MANE Select); the canonical splice acceptor site of the intron before coding-DNA position 1284, A replaced by C.
Molecular consequence: splice acceptor variant.
Genome position (GRCh38, 1-based): chr19:17,655,384, T>G on the plus strand (A>C on the coding strand, the complement: UNC13A is on the minus strand). VCF-style: chr19-17655384-T-G. GRCh37 (hg19) VCF-style: chr19-17766193-T-G.
Other names: c.1284-2A>C (NM_001387022.1, NM_001387023.1, NM_001387021.1).
Identifiers: ClinVar variation 4686832 (VCV004686832.1).